The following is an entry in ClinVar:

ClinVar aggregate classification (germline): Uncertain significance (1 of 4 stars; one submission).

Submission:

GeneDx
Classification: Uncertain significance. Last evaluated: 2026-02-06. Review status: criteria provided, single submitter. Criteria: GeneDx Variant Classification Process June 2021. Collection method: clinical testing. Allele origin: germline.
Comment: Not observed at significant frequency in large population cohorts (gnomAD); Nonsense variant predicted to result in protein truncation or nonsense mediated decay in a gene or region of a gene for which loss of function is not a well-established mechanism of disease; Has not been previously published as pathogenic or benign to our knowledge

NM_006659.4(TUBGCP2):c.1136_1137dup (p.Thr380Ter)

Gene: TUBGCP2 (tubulin gamma complex component 2; minus strand). Cytogenetic location: 10q26.3.
Variant type: Duplication.
Coding change: c.1136_1137dup on transcript NM_006659.4 (MANE Select); coding-DNA positions 1136 to 1137, 2 bases duplicated (TA; older notation c.1136_1137dupTA).
Protein change: p.Thr380Ter; replaces threonine 380 with a stop codon.
Molecular consequence: nonsense. On other transcripts: non-coding transcript variant (1).
Genome position (GRCh38, 1-based): chr10:133,292,576-133,292,577, TA duplicated on the plus strand (TA on the coding strand, the reverse complement: TUBGCP2 is on the minus strand). VCF-style (leftmost placement, unchanged base first): chr10-133292575-T-TTA. GRCh37 (hg19) VCF-style: chr10-135106079-T-TTA.
Other names: c.1220_1221dup, p.Thr408Ter (NM_001256617.2); c.746_747dup, p.Thr250Ter (NM_001256618.2); short protein forms T250*, T380*, T408*.
Identifiers: ClinVar variation 3360422 (VCV003360422.2).